The following is an entry in ClinVar:

ClinVar aggregate classification (germline): Pathogenic/Likely pathogenic. Review status: criteria provided, multiple submitters, no conflicts (2 of 4 stars). 11 submissions from 11 submitters: Pathogenic (2); Likely pathogenic (3). 6 of the submissions do not count toward it. Last evaluated 2025-07-29.

Conditions:
Beta-thalassemia HBB/LCRB. Identifiers: MedGen CN322236, MONDO:0013517, OMIM 613985.
beta Thalassemia (BTHAL). Also called: Cooley's anemia; Erythroblastic anemia; Mediterranean anemia. Identifiers: Orphanet 848, MedGen C0005283, MONDO:0019402. Disease mechanism: loss of function.
BETA-PLUS-THALASSEMIA. Identifiers: MedGen C3841475.

Submissions (11):

Natera, Inc.
Classification: Likely pathogenic for Beta thalassemia. Last evaluated: 2025-07-29. Review status: criteria provided, single submitter. Criteria: Natera Variant Classification Schema (03/2026). Collection method: clinical testing. Allele origin: germline.
Comment: The c.-136C>G variant in HBB is a 5' untranslated region (UTR) variant located upstream of the translation start codon. This variant is rare in the general population with a frequency below the threshold expected for the associated phenotype(s). This variant has been observed in one or more individuals affected with the associated recessive disease, as either homozygous or compound heterozygous with a second variant (PMID: 30173596, 27199182, 17994378, 11071627). Given the available evidence, this variant is classified as Likely Pathogenic.

ARUP Laboratories, Molecular Genetics and Genomics, ARUP Laboratories
Classification: Pathogenic. Last evaluated: 2024-08-05. Review status: criteria provided, single submitter. Criteria: ARUP Molecular Germline Variant Investigation Process 2024. Collection method: clinical testing. Allele origin: germline.
Comment: The HBB c.-136C>G variant (rs33994806, HbVar ID: 761), also known as -86 (C>G), has been reported in multiple homozygous individuals affected with beta(+)-thalassemia, as well as heterozygous individuals with beta-thalassemia trait (Bravo-Urquiola, 2012, He 2015, Moassas 2018, Thein 1990, HbVar database). This variant is absent from general population databases (Exome Variant Server, Genome Aggregation Database), indicating it is not a common polymorphism. This variant occurs in the functionally important proximal CACCC box in the HBB promoter, and variants in this promoter element are known to be associated with beta(+) thalassemia (Ropero 2017, Thein 2013). Based on available information, the c.-136C>G variant is considered to be pathogenic. References: HbVar database link: Bravo-Urquiola M et al. Molecular spectrum of beta-thalassemia mutations in the admixed Venezuelan population, and their linkage to beta-globin gene haplotypes. Hemoglobin. 2012;36(3):209-18. PMID: 22563936. He S et al. First Description of a beta-Thalassemia Mutation, -86 (C>G) (HBB: c.-136C>G), in a Chinese Family. Hemoglobin. 2015;39(6):448-50. PMID: 26291972 Moassas F et al. Description of a Rare beta-Globin Gene Mutation: -86 (C>G) (HBB: c.-136C>G) Observed in a Syrian Family. Hemoglobin. 2018 May;42(3):203-205. PMID: 30173596. Ropero P et al. Phenotype of mutations in the promoter region of the beta-globin gene. J Clin Pathol. 2017 Oct;70(10):874-878. PMID: 28385923. Thein SL. The molecular basis of beta-thalassemia. Cold Spring Harb Perspect Med. 2013 May 1;3(5):a011700. PMID: 23637309. Thein SL et al. The molecular basis of beta-thalassemia in Thailand: application to prenatal diagnosis. Am J Hum Genet. 1990 Sep;47(3):369-75. PMID: 2393018.

Quest Diagnostics Nichols Institute San Juan Capistrano
Classification: Pathogenic. Last evaluated: 2023-04-25. Review status: criteria provided, single submitter. Criteria: Quest Diagnostics criteria. Collection method: clinical testing. Allele origin: unknown.
Comment: The HBB c.-136C>G variant (also known as -86C>G) is located in an important region in the promoter of the beta-globin gene and is expected to cause decreased transcription. This variant is associated with mild beta(+)-thalassemia (PMIDs: 2197725 (1990), 2393018 (1990), 22563936 (2012), 26291972 (2015), 30173596 (2018)). This variant has not been reported in large, multi-ethnic general populations. Based on the available information, this variant is classified as pathogenic.

GeneDx
Classification: Likely pathogenic. Last evaluated: 2022-04-29. Review status: criteria provided, single submitter. Criteria: GeneDx Variant Classification Process June 2021. Collection method: clinical testing. Allele origin: germline. Affected: yes.
Comment: Not observed at significant frequency in presumably healthy individuals tested at GeneDx; Also known as -86C>G; This variant is associated with the following publications: (PMID: 2197725, 2393018, 26202972, 31395865, 1550780, 28385923, 23637309, 30173596, 22563936, 26291972, 1517101)

Labcorp Genetics (formerly Invitae), Labcorp
Classification: Likely pathogenic. Last evaluated: 2021-11-08. Review status: criteria provided, single submitter. Criteria: Invitae Variant Classification Sherloc (09022015). Collection method: clinical testing. Allele origin: germline.
Comment: This variant occurs in a non-coding region of the HBB gene. It does not change the encoded amino acid sequence of the HBB protein. This variant is not present in population databases (gnomAD no frequency). This variant has been observed in individuals with autosomal recessive beta thalassemia intermedia (PMID: 1550780, 30173596). This variant is also known as c.-86C>G. ClinVar contains an entry for this variant (Variation ID: 15465). Algorithms developed to predict the effect of sequence changes on RNA splicing suggest that this variant may create or strengthen a splice site. In summary, the currently available evidence indicates that the variant is pathogenic, but additional data are needed to prove that conclusively. Therefore, this variant has been classified as Likely Pathogenic.

Molecular Genetics Laboratory, BC Children's and BC Women's Hospitals
Classification: Pathogenic for beta Thalassemia. Last evaluated: 2024-09-16. Review status: no assertion criteria provided. Criteria: ACMG Guidelines, 2015. Collection method: clinical testing. Allele origin: germline. Affected: yes. Not counted in ClinVar's aggregate classification.

MOLECULAR BIOLOGY AND HUMAN GENETICS DIVISION, THE UNIVERSITY OF BURDWAN
Classification: Pathogenic for Beta-thalassemia HBB/LCRB. Last evaluated: 2024-05-07. Review status: no assertion criteria provided. Collection method: clinical testing. Allele origin: germline. Affected: yes. Observed: 1 variant allele. Not counted in ClinVar's aggregate classification.
Comment: The HBB c.-136C>G is a beta+ type of mutation located in the promoter of beta globin gene. When this variant present with other pathogenic HBB mutation leads to severe type of thalassemia. Patients needing blood transfusion, often presented with hepatosplenomegaly, Iron overload. The frequency of the variant among thalassemia patient in Eastern India is 0.09 % as per our multicentric project - A Genetic Diagnostic Algorithm Based Study for Thalassemia in Northern and Eastern Indian Populations, Funded by Dept. of Biotechnology , Govt of India [Project No. BT/PR26461/MED/12/821/2018]

The ITHANET community portal, The Cyprus Institute of Neurology and Genetics
Classification: Pathogenic for beta Thalassemia. Last evaluated: 2019-11-25. Review status: no assertion criteria provided. Collection method: curation. Allele origin: germline. Not counted in ClinVar's aggregate classification.

Women's Health and Genetics/Laboratory Corporation of America, LabCorp
Classification: Pathogenic for Beta Thalassemia. Last evaluated: 2015-04-03. Review status: no assertion criteria provided. Collection method: clinical testing. Allele origin: germline. Not counted in ClinVar's aggregate classification.

OMIM
Classification: Pathogenic for BETA-PLUS-THALASSEMIA. Last evaluated: 1992-06-01. Review status: no assertion criteria provided. Collection method: literature only. Allele origin: germline. Not counted in ClinVar's aggregate classification.

GeneReviews
No classification provided. Condition: beta Thalassemia. Review status: no classification provided. Collection method: literature only. Allele origin: germline. Not counted in ClinVar's aggregate classification.

Literature cited by the submitters: PubMed 30173596 (cited by 4 submitters); PubMed 27199182 (cited by Natera, Inc.); PubMed 17994378 (cited by Natera, Inc.); PubMed 11071627 (cited by Natera, Inc.); PubMed 2393018 (cited by 3 submitters); PubMed 20301599 (cited by Quest Diagnostics Nichols Institute San Juan Capistrano); PubMed 26291972 (cited by Quest Diagnostics Nichols Institute San Juan Capistrano); PubMed 28385923 (cited by Quest Diagnostics Nichols Institute San Juan Capistrano); PubMed 1550780 (cited by Quest Diagnostics Nichols Institute San Juan Capistrano and Labcorp Genetics (formerly Invitae), Labcorp); PubMed 6280057 (cited by Quest Diagnostics Nichols Institute San Juan Capistrano); PubMed 22563936 (cited by Quest Diagnostics Nichols Institute San Juan Capistrano); PubMed 2197725 (cited by Quest Diagnostics Nichols Institute San Juan Capistrano and The ITHANET community portal, The Cyprus Institute of Neurology and Genetics); PubMed 1586746 (cited by OMIM); NCBI Bookshelf NBK1426 (cited by GeneReviews).

NM_000518.5(HBB):c.-136C>G

Genes: HBB (hemoglobin subunit beta; minus strand), LOC106099062 (HBB recombination region; plus strand), LOC107133510 (origin of replication at HBB; plus strand). Cytogenetic location: 11p15.4.
Variant type: single nucleotide variant.
Coding change: c.-136C>G on transcript NM_000518.5 (MANE Select); 136 bases upstream of the start codon, C replaced by G.
Genome position (GRCh38, 1-based): chr11:5,227,157, G>C on the plus strand (C>G on the coding strand, the complement: HBB is on the minus strand). VCF-style: chr11-5227157-G-C. GRCh37 (hg19) VCF-style: chr11-5248387-G-C.
Other names: HBB:c.-50-86C>G; -86C>G; -86 C>G; -86C-G.
Identifiers: ClinVar variation 15465 (VCV000015465.19), dbSNP rs33994806, ClinGen allele CA125324.